The following is an entry in ClinVar:

NM_020937.4(FANCM):c.6131T>C (p.Leu2044Pro)

Gene: FANCM (FA complementation group M; plus strand). Cytogenetic location: 14q21.2.
Variant type: single nucleotide variant.
Coding change: c.6131T>C on transcript NM_020937.4 (MANE Select); coding-DNA position 6131, T replaced by C.
Protein change: p.Leu2044Pro; replaces leucine 2044 with proline.
Molecular consequence: missense variant.
Genome position (GRCh38, 1-based): chr14:45,199,992, T>C. VCF-style: chr14-45199992-T-C. GRCh37 (hg19) VCF-style: chr14-45669195-T-C.
Other names: c.6053T>C, p.Leu2018Pro (NM_001308133.2); short protein forms L2018P, L2044P.
Identifiers: ClinVar variation 4022735 (VCV004022735.1).
Genomic context (GRCh38, chr14:45,199,992, plus strand): 5'-GATATATTCACTATGTATTTGACATACAAATGTTACCAAATGATCTTAACCAAGATAGAC[T>C]GAAATCTGATATATAATCAAGCTGCTCAAGATGGGGTTTTCAAAGACCTCTCACAATATT-3'
Protein context (NP_065988.1, residues 2034-2048): MLPNDLNQDR[Leu2044Pro]KSDI

ClinVar aggregate classification (germline): Uncertain significance (1 of 4 stars; one submission).

Conditions:
Inborn genetic diseases. Identifiers: MedGen C0950123, MeSH D030342.

Submission:

Ambry Genetics
Classification: Uncertain significance for Inborn genetic diseases. Last evaluated: 2025-04-29. Review status: criteria provided, single submitter. Criteria: Ambry Variant Classification Scheme 2023. Collection method: clinical testing. Allele origin: germline.
Comment: The p.L2044P variant (also known as c.6131T>C), located in coding exon 23 of the FANCM gene, results from a T to C substitution at nucleotide position 6131. The leucine at codon 2044 is replaced by proline, an amino acid with similar properties. This amino acid position is conserved. In addition, this alteration is predicted to be tolerated by in silico analysis. Based on the available evidence, the clinical significance of this variant remains unclear.